The following is an entry in ClinVar:

NM_000059.4(BRCA2):c.6682dup (p.Val2228fs)

Gene: BRCA2 (BRCA2 DNA repair associated; plus strand). Cytogenetic location: 13q13.1.
Variant type: Duplication.
Coding change: c.6682dup on transcript NM_000059.4 (MANE Select); coding-DNA position 6682, one base duplicated (G; older notation c.6682dupG).
Protein change: p.Val2228fs; shifts the reading frame from valine 2228.
Molecular consequence: frameshift variant.
Genome position (GRCh38, 1-based): chr13:32,341,037, G duplicated. VCF-style (leftmost placement, unchanged base first): chr13-32341036-A-AG. GRCh37 (hg19) VCF-style: chr13-32915173-A-AG.
Other names: 6910insG; c.6682dupG (NM_000059.3); short protein forms V2228fs.
Identifiers: ClinVar variation 52155 (VCV000052155.21), dbSNP rs80359621, ClinGen allele CA024285.

ClinVar aggregate classification (germline): Pathogenic. Review status: reviewed by expert panel (3 of 4 stars). 8 submissions from 8 submitters: Pathogenic (1). 7 of the submissions do not count toward it. Last evaluated 2016-09-08.

Conditions:
Hereditary breast ovarian cancer syndrome. Also called: Hereditary breast and ovarian cancer syndrome; Hereditary breast and ovarian cancer; Hereditary breast and ovarian cancer syndrome (HBOC); Breast and ovarian cancer; Hereditary breast and/or ovarian cancer syndrome; BRCA1- and BRCA2-Associated Hereditary Breast and Ovarian Cancer. Identifiers: Orphanet 145, MedGen C0677776, MeSH D061325, MONDO:0003582. Disease mechanism: loss of function.
Breast-ovarian cancer, familial, susceptibility to, 2 (BROVCA2). Also called: BRCA2 Hereditary Breast and Ovarian Cancer. Identifiers: Orphanet 145, MedGen C2675520, MONDO:0012933, OMIM 612555. Disease mechanism: loss of function.
Hereditary cancer-predisposing syndrome. Also called: Neoplastic Syndromes, Hereditary; Tumor predisposition; Hereditary neoplastic syndrome; Hereditary Cancer Syndrome. Identifiers: Orphanet 140162, MedGen C0027672, MeSH D009386, MONDO:0015356.

Submissions (8):

Evidence-based Network for the Interpretation of Germline Mutant Alleles (ENIGMA)
Classification: Pathogenic for Breast-ovarian cancer, familial, susceptibility to, 2. Last evaluated: 2016-09-08. Review status: reviewed by expert panel. Criteria: ENIGMA BRCA1/2 Classification Criteria (2015). Collection method: curation. Allele origin: germline.
Comment: Variant allele predicted to encode a truncated non-functional protein.

Ambry Genetics
Classification: Pathogenic for Hereditary cancer-predisposing syndrome. Last evaluated: 2025-04-03. Review status: criteria provided, single submitter. Criteria: Ambry Variant Classification Scheme 2023. Collection method: clinical testing. Allele origin: germline. Not counted in ClinVar's aggregate classification.
Comment: The c.6682dupG pathogenic mutation, located in coding exon 10 of the BRCA2 gene, results from a duplication of one nucleotide at position 6682, causing a translational frameshift with a predicted alternate stop codon (p.V2228Gfs*5). This variant was reported in individual(s) with features consistent with BRCA2-related cancer predisposition (Lubinski J et al. Fam Cancer. 2004;3:1-10; Wong-Brown MW et al. Breast Cancer Res Treat. 2015 Feb;150:71-80; Rebbeck TR et al. Hum Mutat. 2018 05;39:593-620). This variant is considered to be rare based on population cohorts in the Genome Aggregation Database (gnomAD). In addition to the clinical data presented in the literature, this alteration is expected to result in loss of function by premature protein truncation or nonsense-mediated mRNA decay. As such, this alteration is interpreted as a disease-causing mutation.

Labcorp Genetics (formerly Invitae), Labcorp
Classification: Pathogenic for Hereditary breast ovarian cancer syndrome. Last evaluated: 2024-07-26. Review status: criteria provided, single submitter. Criteria: Invitae Variant Classification Sherloc (09022015). Collection method: clinical testing. Allele origin: germline. Not counted in ClinVar's aggregate classification.
Comment: This sequence change creates a premature translational stop signal (p.Val2228Glyfs*5) in the BRCA2 gene. It is expected to result in an absent or disrupted protein product. Loss-of-function variants in BRCA2 are known to be pathogenic (PMID: 20104584). This variant is not present in population databases (gnomAD no frequency). This premature translational stop signal has been observed in individual(s) with breast cancer (PMID: 15131399, 25682074). This variant is also known as c.6909insG, 6910insG. ClinVar contains an entry for this variant (Variation ID: 52155). For these reasons, this variant has been classified as Pathogenic.

GeneDx
Classification: Pathogenic. Last evaluated: 2020-12-28. Review status: criteria provided, single submitter. Criteria: GeneDx Variant Classification Process June 2021. Collection method: clinical testing. Allele origin: germline. Affected: yes. Not counted in ClinVar's aggregate classification.
Comment: Frameshift variant predicted to result in protein truncation or nonsense mediated decay in a gene for which loss-of-function is a known mechanism of disease; Not observed in large population cohorts (Lek et al., 2016); Truncating variants in this gene are considered pathogenic by a well-established clinical consortium and/or database; Identified in a patient with a personal or family history meriting testing for hereditary breast and ovarian cancer syndrome (Lubinski 2004); Also known as 6909insG or 6910dupG; This variant is associated with the following publications: (PMID: 15131399)

Institute of Medical Genetics and Applied Genomics, University Hospital Tübingen
Classification: Pathogenic. Last evaluated: 2020-10-23. Review status: criteria provided, single submitter. Criteria: ACMG Guidelines, 2015. Collection method: clinical testing. Allele origin: germline. Inheritance: Unknown mechanism. Affected: yes. Not counted in ClinVar's aggregate classification.

Consortium of Investigators of Modifiers of BRCA1/2 (CIMBA), c/o University of Cambridge
Classification: Pathogenic for Breast-ovarian cancer, familial, susceptibility to, 2. Last evaluated: 2015-10-02. Review status: criteria provided, single submitter. Criteria: CIMBA Mutation Classification guidelines May 2016. Collection method: clinical testing. Allele origin: germline. Not counted in ClinVar's aggregate classification.

Research Molecular Genetics Laboratory, Women's College Hospital, University of Toronto
Classification: Pathogenic for Hereditary breast ovarian cancer syndrome. Last evaluated: 2014-01-31. Review status: no assertion criteria provided. Collection method: research. Allele origin: germline. Affected: yes. Study: The Canadian Open Genetics Repository (COGR). Not counted in ClinVar's aggregate classification.

Breast Cancer Information Core (BIC) (BRCA2)
Classification: Pathogenic for Breast-ovarian cancer, familial 2. Last evaluated: 1999-08-27. Review status: no assertion criteria provided. Collection method: clinical testing. Allele origin: germline. Affected: yes. Observed: 1 variant allele. Not counted in ClinVar's aggregate classification.

Literature cited by the submitters: PubMed 15131399 (cited by Ambry Genetics and Labcorp Genetics (formerly Invitae), Labcorp); PubMed 25682074 (cited by Ambry Genetics and Labcorp Genetics (formerly Invitae), Labcorp); PubMed 29446198 (cited by Ambry Genetics); PubMed 20104584 (cited by Labcorp Genetics (formerly Invitae), Labcorp).